The following is an entry in ClinVar:

NM_000834.5(GRIN2B):c.3319C>G (p.Leu1107Val)

Gene: GRIN2B (glutamate ionotropic receptor NMDA type subunit 2B; minus strand). Cytogenetic location: 12p13.1.
Variant type: single nucleotide variant.
Coding change: c.3319C>G on transcript NM_000834.5 (MANE Select); coding-DNA position 3319, C replaced by G.
Protein change: p.Leu1107Val; replaces leucine 1107 with valine.
Molecular consequence: missense variant.
Genome position (GRCh38, 1-based): chr12:13,563,919, G>C on the plus strand (C>G on the coding strand, the complement: GRIN2B is on the minus strand). VCF-style: chr12-13563919-G-C. GRCh37 (hg19) VCF-style: chr12-13716853-G-C.
Other names: c.3319C>G, p.Leu1107Val (NM_001413992.1); short protein forms L1107V.
Identifiers: ClinVar variation 4032391 (VCV004032391.2).

ClinVar aggregate classification (germline): Uncertain significance (1 of 4 stars; one submission).

Conditions:
Inborn genetic diseases. Identifiers: MedGen C0950123, MeSH D030342.

Submission:

Ambry Genetics
Classification: Uncertain significance for Inborn genetic diseases. Last evaluated: 2025-08-28. Review status: criteria provided, single submitter. Criteria: Ambry Variant Classification Scheme 2023. Collection method: clinical testing. Allele origin: germline.
Comment: The c.3319C>G (p.L1107V) alteration is located in exon 13 (coding exon 12) of the GRIN2B gene. This alteration results from a C to G substitution at nucleotide position 3319, causing the leucine (L) at amino acid position 1107 to be replaced by a valine (V). This variant was not reported in population-based cohorts in the Genome Aggregation Database (gnomAD). This amino acid position is highly conserved in available vertebrate species. This missense alteration is located in a region that has a low rate of benign missense variation (Lek, 2016; Firth, 2009). The in silico prediction for this alteration is inconclusive. Based on insufficient or conflicting evidence, the clinical significance of this alteration remains unclear.